The following is an entry in ClinVar:

NM_005422.4(TECTA):c.5942A>G (p.Tyr1981Cys)

Genes: TBCEL-TECTA (TBCEL-TECTA readthrough; plus strand), TECTA (tectorin alpha; plus strand). Cytogenetic location: 11q23.3.
Variant type: single nucleotide variant.
Coding change: c.5942A>G on transcript NM_005422.4 (MANE Select); coding-DNA position 5942, A replaced by G.
Protein change: p.Tyr1981Cys; replaces tyrosine 1981 with cysteine.
Molecular consequence: missense variant.
Genome position (GRCh38, 1-based): chr11:121,168,868, A>G. VCF-style: chr11-121168868-A-G. GRCh37 (hg19) VCF-style: chr11-121039577-A-G.
Other names: c.6884A>G, p.Tyr2295Cys (NM_001378761.1); short protein forms Y1981C, Y2295C.
Identifiers: ClinVar variation 1315315 (VCV001315315.6), dbSNP rs2134198069, ClinGen allele CA383036962.

ClinVar aggregate classification (germline): Uncertain significance. Review status: criteria provided, multiple submitters, no conflicts (2 of 4 stars). 3 submissions from 3 submitters: Uncertain significance (3). Last evaluated 2025-08-10.

Submissions (3):

Labcorp Genetics (formerly Invitae), Labcorp
Classification: Uncertain significance. Last evaluated: 2025-08-10. Review status: criteria provided, single submitter. Criteria: Invitae Variant Classification Sherloc (09022015). Collection method: clinical testing. Allele origin: germline.
Comment: This sequence change replaces tyrosine, which is neutral and polar, with cysteine, which is neutral and slightly polar, at codon 1981 of the TECTA protein (p.Tyr1981Cys). This variant is not present in population databases (gnomAD no frequency). This variant has not been reported in the literature in individuals affected with TECTA-related conditions. ClinVar contains an entry for this variant (Variation ID: 1315315). Invitae Evidence Modeling of protein sequence and biophysical properties (such as structural, functional, and spatial information, amino acid conservation, physicochemical variation, residue mobility, and thermodynamic stability) has been performed for this missense variant. However, the output from this modeling did not meet the statistical confidence thresholds required to predict the impact of this variant on TECTA protein function. In summary, the available evidence is currently insufficient to determine the role of this variant in disease. Therefore, it has been classified as a Variant of Uncertain Significance.

Blueprint Genetics
Classification: Uncertain significance. Last evaluated: 2021-09-03. Review status: criteria provided, single submitter. Criteria: ACMG Guidelines, 2015. Collection method: clinical testing. Allele origin: germline.

GeneDx
Classification: Uncertain significance. Last evaluated: 2020-02-05. Review status: criteria provided, single submitter. Criteria: GeneDx Variant Classification Process June 2021. Collection method: clinical testing. Allele origin: germline. Affected: yes.
Comment: Not observed in large population cohorts (Lek et al., 2016); In silico analysis supports that this missense variant does not alter protein structure/function; Has not been previously published as pathogenic or benign to our knowledge